The following is an entry in ClinVar:

ClinVar aggregate classification (germline): Uncertain significance (1 of 4 stars; one submission).

Allele frequency attached by ClinVar (database versions not stated): gnomAD exomes below 0.00001; TOPMed below 0.00001.

Submission:

Labcorp Genetics (formerly Invitae), Labcorp
Classification: Uncertain significance. Last evaluated: 2024-02-26. Review status: criteria provided, single submitter. Criteria: Invitae Variant Classification Sherloc (09022015). Collection method: clinical testing. Allele origin: germline.
Comment: This sequence change replaces methionine, which is neutral and non-polar, with threonine, which is neutral and polar, at codon 1498 of the CCDC88A protein (p.Met1498Thr). This variant is present in population databases (no rsID available, gnomAD 0.003%). This variant has not been reported in the literature in individuals affected with CCDC88A-related conditions. ClinVar contains an entry for this variant (Variation ID: 2040464). An algorithm developed to predict the effect of missense changes on protein structure and function (PolyPhen-2) suggests that this variant is likely to be disruptive. In summary, the available evidence is currently insufficient to determine the role of this variant in disease. Therefore, it has been classified as a Variant of Uncertain Significance.

NM_001365480.1(CCDC88A):c.4496T>C (p.Met1499Thr)

Gene: CCDC88A (coiled-coil domain containing 88A; minus strand). Cytogenetic location: 2p16.1.
Variant type: single nucleotide variant.
Coding change: c.4496T>C on transcript NM_001365480.1 (MANE Select); coding-DNA position 4496, T replaced by C.
Protein change: p.Met1499Thr; replaces methionine 1499 with threonine.
Molecular consequence: missense variant.
Genome position (GRCh38, 1-based): chr2:55,302,048, A>G on the plus strand (T>C on the coding strand, the complement: CCDC88A is on the minus strand). VCF-style: chr2-55302048-A-G. GRCh37 (hg19) VCF-style: chr2-55529184-A-G.
Other names: c.4493T>C, p.Met1498Thr (NM_001135597.2, NM_001254943.2); c.4412T>C, p.Met1471Thr (NM_018084.5); short protein forms M1499T, M1471T, M1498T.
Identifiers: ClinVar variation 2040464 (VCV002040464.3), dbSNP rs1268310125, ClinGen allele CA346913959.